The following is an entry in ClinVar:

NM_198880.3(QRICH1):c.1479A>G (p.Leu493=)

Gene: QRICH1 (glutamine rich 1; minus strand). Cytogenetic location: 3p21.31.
Variant type: single nucleotide variant.
Coding change: c.1479A>G on transcript NM_198880.3 (MANE Select); coding-DNA position 1479, A replaced by G.
Protein change: p.Leu493=; no amino-acid change (leucine 493 retained).
Molecular consequence: synonymous variant.
Genome position (GRCh38, 1-based): chr3:49,047,106, T>C on the plus strand (A>G on the coding strand, the complement: QRICH1 is on the minus strand). VCF-style: chr3-49047106-T-C. GRCh37 (hg19) VCF-style: chr3-49084539-T-C.
Other names: c.1479A>G, p.Leu493= (NM_001320580.2, NM_001320581.2, NM_001320582.2 and 4 more transcripts).
Identifiers: ClinVar variation 2653821 (VCV002653821.24), dbSNP rs770190545, ClinGen allele CA74033902.

ClinVar aggregate classification (germline): Likely benign (1 of 4 stars; one submission).

Allele frequency attached by ClinVar (database versions not stated): TOPMed 0.00002; gnomAD 0.00003; gnomAD exomes 0.00003.
gnomAD v4.1: 40 of 1,614,062 alleles (0.0025%); highest among the groups gnomAD compares: African/African-American, 0.0053%; no homozygotes.

Submission:

CeGaT Center for Human Genetics Tuebingen
Classification: Likely benign. Last evaluated: 2023-10-01. Review status: criteria provided, single submitter. Criteria: CeGaT Center For Human Genetics Tuebingen Variant Classification Criteria Version 2. Collection method: clinical testing. Allele origin: germline. Affected: yes. Observed: 1 variant allele.
Comment: QRICH1: BP4, BP7